The following is an entry in ClinVar:

NM_000489.6(ATRX):c.2968G>A (p.Glu990Lys)

Gene: ATRX (ATRX chromatin remodeler; minus strand). Cytogenetic location: Xq21.1.
Variant type: single nucleotide variant.
Coding change: c.2968G>A on transcript NM_000489.6 (MANE Select); coding-DNA position 2968, G replaced by A.
Protein change: p.Glu990Lys; replaces glutamic acid 990 with lysine.
Molecular consequence: missense variant.
Genome position (GRCh38, 1-based): chrX:77,682,288, C>T on the plus strand (G>A on the coding strand, the complement: ATRX is on the minus strand). VCF-style: chrX-77682288-C-T. GRCh37 (hg19) VCF-style: chrX-76937780-C-T.
Other names: c.2968G>A (NM_000489.3); c.2854G>A, p.Glu952Lys (NM_138270.5); short protein forms E990K, E952K.
Identifiers: ClinVar variation 465051 (VCV000465051.13), dbSNP rs376883807, ClinGen allele CA10458012.

ClinVar aggregate classification (germline): Likely benign. Review status: criteria provided, multiple submitters, no conflicts (2 of 4 stars). 3 submissions from 3 submitters: Likely benign (3). Last evaluated 2026-07-01.

Conditions:
Alpha thalassemia-X-linked intellectual disability syndrome (ATRX). Also called: ALPHA-THALASSEMIA/MENTAL RETARDATION SYNDROME, X-LINKED; ATR, NONDELETION TYPE; X-linked alpha-thalassemia-mental retardation syndrome; ALPHA-THALASSEMIA/IMPAIRED INTELLECTUAL DEVELOPMENT SYNDROME, X-LINKED; ATR-X syndrome; Alpha thalassemia mental retardation syndrome, nondeletion type, X-linked. Identifiers: Orphanet 847, MedGen C1845055, MONDO:0010519, OMIM 301040.
Inborn genetic diseases. Identifiers: MedGen C0950123, MeSH D030342.

Allele frequency attached by ClinVar (database versions not stated): TOPMed 0.00009; ESP Exome Variant Server 0.00019; gnomAD exomes below 0.00001 and 0.00005; gnomAD 0.00009 and 0.00011; ExAC 0.00006.
gnomAD v4.1: 17 of 1,196,622 alleles (0.0014%); highest among the groups gnomAD compares: African/African-American, 0.025%; no homozygotes.

Submissions (3):

CeGaT Center for Human Genetics Tuebingen
Classification: Likely benign. Last evaluated: 2026-07-01. Review status: criteria provided, single submitter. Criteria: CeGaT Center For Human Genetics Tuebingen Variant Classification Criteria Version 2. Collection method: clinical testing. Allele origin: germline. Affected: yes. Observed: 1 variant allele.
Comment: ATRX: BS2

Labcorp Genetics (formerly Invitae), Labcorp
Classification: Likely benign for Alpha thalassemia-X-linked intellectual disability syndrome. Last evaluated: 2026-01-19. Review status: criteria provided, single submitter. Criteria: Invitae Variant Classification Sherloc (09022015). Collection method: clinical testing. Allele origin: germline.

Ambry Genetics
Classification: Likely benign for Inborn genetic diseases. Last evaluated: 2024-09-25. Review status: criteria provided, single submitter. Criteria: Ambry Variant Classification Scheme 2023. Collection method: clinical testing. Allele origin: germline.